The following is an entry in ClinVar:

ClinVar aggregate classification (germline): Uncertain significance (1 of 4 stars; one submission).

Conditions:
Mucopolysaccharidosis, MPS-IV-A (MPS4A). Also called: Morquio syndrome A, mild; MORQUIO SYNDROME A; GALACTOSAMINE-6-SULFATASE DEFICIENCY; GALNS DEFICIENCY; MORQUIO A DISEASE; Mucopolysaccharidosis type IV A. Identifiers: Orphanet 309297, Orphanet 582, MedGen C0086651, MONDO:0009659, OMIM 253000.

Submission:

Labcorp Genetics (formerly Invitae), Labcorp
Classification: Uncertain significance for Mucopolysaccharidosis, MPS-IV-A. Last evaluated: 2025-02-19. Review status: criteria provided, single submitter. Criteria: Invitae Variant Classification Sherloc (09022015). Collection method: clinical testing. Allele origin: germline.
Comment: This sequence change falls in intron 13 of the GALNS gene. It does not directly change the encoded amino acid sequence of the GALNS protein. It affects a nucleotide within the consensus splice site. This variant is not present in population databases (gnomAD no frequency). This variant has been observed in individual(s) with Morquio syndrome type A (internal data). ClinVar contains an entry for this variant (Variation ID: 2834634). Variants that disrupt the consensus splice site are a relatively common cause of aberrant splicing (PMID: 17576681, 9536098). Algorithms developed to predict the effect of sequence changes on RNA splicing suggest that this variant may disrupt the consensus splice site. In summary, the available evidence is currently insufficient to determine the role of this variant in disease. Therefore, it has been classified as a Variant of Uncertain Significance.

Literature cited by the submitters: PubMed 17576681; PubMed 9536098.

NM_000512.5(GALNS):c.1482+5G>C

Genes: GALNS (galactosamine (N-acetyl)-6-sulfatase; minus strand), LOC126862447 (CDK7 strongly-dependent group 2 enhancer GRCh37_chr16:88884193-88885392; plus strand). Cytogenetic location: 16q24.3.
Variant type: single nucleotide variant.
Coding change: c.1482+5G>C on transcript NM_000512.5 (MANE Select); 5 bases into the intron after coding-DNA position 1482, G replaced by C.
Molecular consequence: intron variant.
Genome position (GRCh38, 1-based): chr16:88,818,002, C>G on the plus strand (G>C on the coding strand, the complement: GALNS is on the minus strand). VCF-style: chr16-88818002-C-G. GRCh37 (hg19) VCF-style: chr16-88884410-C-G.
Other names: c.927+5G>C (NM_001323543.2); c.1500+5G>C (NM_001323544.2).
Identifiers: ClinVar variation 2834634 (VCV002834634.3), dbSNP rs2142982032, ClinGen allele CA2739266955.